The following is an entry in ClinVar:

NM_000020.3(ACVRL1):c.1247-13del

Gene: ACVRL1 (activin A receptor like type 1; plus strand). Cytogenetic location: 12q13.13.
Variant type: Deletion.
Coding change: c.1247-13del on transcript NM_000020.3 (MANE Select); 13 bases into the intron before coding-DNA position 1247, one base deleted (T; older notation c.1247-13delT).
Molecular consequence: intron variant.
Genome position (GRCh38, 1-based): chr12:51,918,972, T deleted; the last of 2 consecutive T bases (chr12:51,918,971-51,918,972); deleting either gives the same sequence. VCF-style (leftmost placement, unchanged base first): chr12-51918970-AT-A. GRCh37 (hg19) VCF-style: chr12-52312754-AT-A.
Other names: c.1247-13del (NM_001406487.1, NM_001406488.1, NM_001077401.2 and 1 more transcripts); c.935-13del (NM_001406491.1, NM_001406492.1, NM_001406493.1); c.1091-13del (NM_001406490.1); c.737-13del (NM_001406494.1); c.683-13del (NM_001406495.1); c.1247-13delT (NM_000020.3).
Identifiers: ClinVar variation 4848224 (VCV004848224.1).
Genomic context (GRCh38, chr12:51,918,970, plus strand): 5'-AAAAGGCTCTCCTCTGGGTGGTATTGGGCCTCCTTAGAGTCCCAAGTGATTGTCCTGTCC[AT>A]TCTCCATTTCCAGGCATCGTGGAGGACTATAGACCACCCTTCTATGATGTGGTGCCCAAT-3'

ClinVar aggregate classification (germline): Likely benign (1 of 4 stars; one submission).

Submission:

Women's Health and Genetics/Laboratory Corporation of America, LabCorp
Classification: Likely benign. Last evaluated: 2026-02-27. Review status: criteria provided, single submitter. Criteria: LabCorp Variant Classification Summary - May 2015. Collection method: clinical testing. Allele origin: germline.
Comment: Variant summary: ACVRL1 c.1247-13delT alters a non-conserved nucleotide located at a position not widely known to affect splicing. Consensus agreement among computation tools predict no significant impact on normal splicing. However, these predictions have yet to be confirmed by functional studies. The variant was absent in 251494 control chromosomes. The available data on variant occurrences in the general population are insufficient to allow any conclusion about variant significance. To our knowledge, no occurrence of c.1247-13delT in individuals affected with ACVRL1-related conditions and no experimental evidence demonstrating its impact on protein function have been reported. No submitters have cited clinical-significance assessments for this variant to ClinVar. Based on the evidence outlined above, the variant was classified as likely benign.